The following is an entry in ClinVar:

ClinVar aggregate classification (germline): Uncertain significance. Review status: criteria provided, multiple submitters, no conflicts (2 of 4 stars). 3 submissions from 3 submitters: Uncertain significance (3). Last evaluated 2026-04-23.

Conditions:
Myofibrillar myopathy 5. Also called: Filaminopathy (type); FILAMINOPATHY, AUTOSOMAL DOMINANT. Identifiers: Orphanet 171445, MedGen C1836050, MONDO:0012289, OMIM 609524.
Hypertrophic cardiomyopathy 26. Also called: Cardiomyopathy, familial hypertrophic, 26. Identifiers: Orphanet 75249, MedGen C4310749, MONDO:0014883, OMIM 617047.
Distal myopathy with posterior leg and anterior hand involvement. Also called: WILLIAMS DISTAL MYOPATHY. Identifiers: Orphanet 63273, MedGen C3279722, MONDO:0013550, OMIM 614065.
FLNC-related disorder. Also called: FLNC-related disorders; FLNC-related condition.
Cardiovascular phenotype. Identifiers: MedGen CN230736.

Allele frequency attached by ClinVar (database versions not stated): gnomAD exomes below 0.00001; gnomAD 0.00002 and 0.00003; TOPMed 0.00002; 1000 Genomes Project 30x 0.00016; 1000 Genomes Project 0.00020.
gnomAD v4.1: 13 of 1,613,932 alleles (0.00081%); highest among the groups gnomAD compares: African/African-American, 0.0027%; no homozygotes.

Submissions (3):

PreventionGenetics, part of Exact Sciences
Classification: Uncertain significance for FLNC-related condition. Last evaluated: 2026-04-23. Review status: criteria provided, single submitter. Criteria: ACMG Guidelines, 2015. Collection method: clinical testing. Allele origin: germline.
Comment: The FLNC c.3079C>T variant is predicted to result in the amino acid substitution p.Arg1027Cys. This variant was reported in an individual with hypertrophic cardiomyopathy (Cui et al. 2018. PubMed ID: 30411535). To our knowledge, this variant has not been reported in the literature. This variant is reported in 0.00089% of alleles in individuals of European (Non-Finnish) descent in gnomAD. At this time, the clinical significance of this variant is uncertain due to the absence of conclusive functional and genetic evidence.

Labcorp Genetics (formerly Invitae), Labcorp
Classification: Uncertain significance for Distal myopathy with posterior leg and anterior hand involvement; Myofibrillar myopathy 5; Hypertrophic cardiomyopathy 26. Last evaluated: 2025-08-29. Review status: criteria provided, single submitter. Criteria: Invitae Variant Classification Sherloc (09022015). Collection method: clinical testing. Allele origin: germline.
Comment: This sequence change replaces arginine, which is basic and polar, with cysteine, which is neutral and slightly polar, at codon 1027 of the FLNC protein (p.Arg1027Cys). This variant is present in population databases (rs541775814, gnomAD 0.0009%). This missense change has been observed in individual(s) with hypertrophic cardiomyopathy (PMID: 30411535). ClinVar contains an entry for this variant (Variation ID: 1003240). Invitae Evidence Modeling of protein sequence and biophysical properties (such as structural, functional, and spatial information, amino acid conservation, physicochemical variation, residue mobility, and thermodynamic stability) has been performed for this missense variant. However, the output from this modeling did not meet the statistical confidence thresholds required to predict the impact of this variant on FLNC protein function. In summary, the available evidence is currently insufficient to determine the role of this variant in disease. Therefore, it has been classified as a Variant of Uncertain Significance.

Ambry Genetics
Classification: Uncertain significance for Cardiovascular phenotype. Last evaluated: 2022-04-11. Review status: criteria provided, single submitter. Criteria: Ambry Variant Classification Scheme 2023. Collection method: clinical testing. Allele origin: germline.
Comment: The p.R1027C variant (also known as c.3079C>T), located in coding exon 20 of the FLNC gene, results from a C to T substitution at nucleotide position 3079. The arginine at codon 1027 is replaced by cysteine, an amino acid with highly dissimilar properties. This variant has been detected in an individual from a hypertrophic cardiomyopathy cohort; however, details were limited and another variant may have also been detected (Cui H et al. Mol Genet Genomic Med, 2018 11;6:1104-1113).This amino acid position is not well conserved in available vertebrate species. In addition, the in silico prediction for this alteration is inconclusive. Since supporting evidence is limited at this time, the clinical significance of this alteration remains unclear.

Literature cited by the submitters: PubMed 30411535 (cited by Labcorp Genetics (formerly Invitae), Labcorp and Ambry Genetics).

NM_001458.5(FLNC):c.3079C>T (p.Arg1027Cys)

Gene: FLNC (filamin C; plus strand). Cytogenetic location: 7q32.1.
Variant type: single nucleotide variant.
Coding change: c.3079C>T on transcript NM_001458.5 (MANE Select); coding-DNA position 3079, C replaced by T.
Protein change: p.Arg1027Cys; replaces arginine 1027 with cysteine.
Molecular consequence: missense variant.
Genome position (GRCh38, 1-based): chr7:128,844,153, C>T. VCF-style: chr7-128844153-C-T. GRCh37 (hg19) VCF-style: chr7-128484207-C-T.
Other names: c.3079C>T, p.Arg1027Cys (NM_001127487.2); short protein forms R1027C.
Identifiers: ClinVar variation 1003240 (VCV001003240.12), dbSNP rs541775814, ClinGen allele CA166177734.